The following is an entry in ClinVar:

NM_006767.4(LZTR1):c.1194C>T (p.Asp398=)

Gene: LZTR1 (leucine zipper like post translational regulator 1; plus strand). Cytogenetic location: 22q11.21.
Variant type: single nucleotide variant.
Coding change: c.1194C>T on transcript NM_006767.4 (MANE Select); coding-DNA position 1194, C replaced by T.
Protein change: p.Asp398=; no amino-acid change (aspartic acid 398 retained).
Molecular consequence: synonymous variant.
Genome position (GRCh38, 1-based): chr22:20,992,838, C>T. VCF-style: chr22-20992838-C-T. GRCh37 (hg19) VCF-style: chr22-21347127-C-T.
Identifiers: ClinVar variation 1208426 (VCV001208426.39), dbSNP rs557960320, ClinGen allele CA10118759.

ClinVar aggregate classification (germline): Likely benign. Review status: criteria provided, multiple submitters, no conflicts (2 of 4 stars). 6 submissions from 6 submitters: Likely benign (5). 1 of the submissions does not count toward it. Last evaluated 2026-02-01.

Conditions:
LZTR1-related disorder. Also called: LZTR1-related disorders; LZTR1-related condition.
Hereditary cancer-predisposing syndrome. Also called: Neoplastic Syndromes, Hereditary; Hereditary Cancer Syndrome; Hereditary neoplastic syndrome; Tumor predisposition. Identifiers: Orphanet 140162, MedGen C0027672, MeSH D009386, MONDO:0015356.
Cardiovascular phenotype. Identifiers: MedGen CN230736.

Allele frequency attached by ClinVar (database versions not stated): gnomAD 0.00015; 1000 Genomes Project 30x 0.00031; 1000 Genomes Project 0.00040.
gnomAD v4.1: 123 of 1,609,592 alleles (0.0076%); highest among the groups gnomAD compares: African/African-American, 0.028%; no homozygotes.

Submissions (6):

Labcorp Genetics (formerly Invitae), Labcorp
Classification: Likely benign. Last evaluated: 2026-02-01. Review status: criteria provided, single submitter. Criteria: Invitae Variant Classification Sherloc (09022015). Collection method: clinical testing. Allele origin: germline.

Blueprint Genetics
Classification: Likely benign. Last evaluated: 2024-10-23. Review status: criteria provided, single submitter. Criteria: ACMG Guidelines, 2015. Collection method: clinical testing. Allele origin: germline.

CeGaT Center for Human Genetics Tuebingen
Classification: Likely benign. Last evaluated: 2022-08-01. Review status: criteria provided, single submitter. Criteria: CeGaT Center For Human Genetics Tuebingen Variant Classification Criteria Version 2. Collection method: clinical testing. Allele origin: germline. Affected: yes. Observed: 1 variant allele.
Comment: LZTR1: BP4, BP7

GeneDx
Classification: Likely benign. Last evaluated: 2020-05-22. Review status: criteria provided, single submitter. Criteria: GeneDx Variant Classification Process June 2021. Collection method: clinical testing. Allele origin: germline. Affected: yes.

Ambry Genetics
Classification: Likely benign for Cardiovascular phenotype; Hereditary cancer-predisposing syndrome. Last evaluated: 2019-09-16. Review status: criteria provided, single submitter. Criteria: Ambry Variant Classification Scheme 2023. Collection method: clinical testing. Allele origin: germline.

PreventionGenetics, part of Exact Sciences
Classification: Likely benign for LZTR1-related condition. Last evaluated: 2019-12-07. Review status: no assertion criteria provided. Collection method: clinical testing. Allele origin: germline. Not counted in ClinVar's aggregate classification.
Comment: This variant is classified as likely benign based on ACMG/AMP sequence variant interpretation guidelines (Richards et al. 2015 PMID: 25741868, with internal and published modifications).